The following is an entry in ClinVar:

ClinVar aggregate classification (germline): Uncertain significance. Review status: criteria provided, multiple submitters, no conflicts (2 of 4 stars). 4 submissions from 3 submitters: Uncertain significance (4). Last evaluated 2025-12-16.

Conditions:
Autosomal dominant familial hematuria-retinal arteriolar tortuosity-contractures syndrome. Also called: Hereditary Angiopathy with Nephropathy, Aneurysms, and Muscle Cramps (HANAC) Syndrome; Angiopathy, hereditary, with nephropathy, aneurysms, and muscle cramps. Identifiers: Orphanet 73229, MedGen C2673195, MONDO:0012726, OMIM 611773.
Brain small vessel disease 1 with or without ocular anomalies (BSVD1). Also called: GOULD SYNDROME 1; Brain small vessel disease with or without ocular anomalies; BRAIN SMALL VESSEL DISEASE WITH HEMORRHAGE; PORENCEPHALY, TYPE 1, AUTOSOMAL DOMINANT. Identifiers: Orphanet 2940, Orphanet 36383, Orphanet 99810, MedGen C4755307, MONDO:0008289, OMIM 175780.
COL4A1-related disorder. Also called: COL4A1-related condition; COL4A1-related disorders. Identifiers: MedGen CN376119, MONDO:0800461.

Allele frequency attached by ClinVar (database versions not stated): gnomAD 0.00001; gnomAD exomes 0.00001 and 0.00006; TOPMed 0.00001; ESP Exome Variant Server 0.00015.
gnomAD v4.1: 93 of 1,613,954 alleles (0.0058%); highest among the groups gnomAD compares: Non-Finnish European, 0.0079%; no homozygotes.

Submissions (4):

Labcorp Genetics (formerly Invitae), Labcorp
Classification: Uncertain significance. Last evaluated: 2025-12-16. Review status: criteria provided, single submitter. Criteria: Invitae Variant Classification Sherloc (09022015). Collection method: clinical testing. Allele origin: germline.
Comment: This sequence change replaces proline, which is neutral and non-polar, with serine, which is neutral and polar, at codon 137 of the COL4A1 protein (p.Pro137Ser). This variant is present in population databases (rs148290885, gnomAD 0.003%). This variant has not been reported in the literature in individuals affected with COL4A1-related conditions. ClinVar contains an entry for this variant (Variation ID: 883375). Invitae Evidence Modeling of protein sequence and biophysical properties (such as structural, functional, and spatial information, amino acid conservation, physicochemical variation, residue mobility, and thermodynamic stability) indicates that this missense variant is not expected to disrupt COL4A1 protein function with a negative predictive value of 95%. In summary, the available evidence is currently insufficient to determine the role of this variant in disease. Therefore, it has been classified as a Variant of Uncertain Significance.

PreventionGenetics, part of Exact Sciences
Classification: Uncertain significance for COL4A1-related condition. Last evaluated: 2025-10-13. Review status: criteria provided, single submitter. Criteria: ACMG Guidelines, 2015. Collection method: clinical testing. Allele origin: germline.
Comment: The COL4A1 c.409C>T variant is predicted to result in the amino acid substitution p.Pro137Ser. To our knowledge, this variant has not been reported in the literature. This variant is reported in 0.0031% of alleles in individuals of European (Non-Finnish) descent in gnomAD. At this time, the clinical significance of this variant is uncertain due to the absence of conclusive functional and genetic evidence.

Illumina Laboratory Services, Illumina
Classification: Uncertain significance for Brain small vessel disease 1 with or without ocular anomalies. Last evaluated: 2018-01-13. Review status: criteria provided, single submitter. Criteria: ICSL Variant Classification Criteria 13 December 2019. Collection method: clinical testing. Allele origin: germline.

Illumina Laboratory Services, Illumina
Classification: Uncertain significance for Autosomal dominant familial hematuria-retinal arteriolar tortuosity-contractures syndrome. Last evaluated: 2018-01-13. Review status: criteria provided, single submitter. Criteria: ICSL Variant Classification Criteria 13 December 2019. Collection method: clinical testing. Allele origin: germline.

NM_001845.6(COL4A1):c.409C>T (p.Pro137Ser)

Gene: COL4A1 (collagen type IV alpha 1 chain; minus strand). Cytogenetic location: 13q34.
Variant type: single nucleotide variant.
Coding change: c.409C>T on transcript NM_001845.6 (MANE Select); coding-DNA position 409, C replaced by T.
Protein change: p.Pro137Ser; replaces proline 137 with serine.
Molecular consequence: missense variant.
Genome position (GRCh38, 1-based): chr13:110,211,901, G>A on the plus strand (C>T on the coding strand, the complement: COL4A1 is on the minus strand). VCF-style: chr13-110211901-G-A. GRCh37 (hg19) VCF-style: chr13-110864248-G-A.
Other names: c.409C>T (NM_001845.5); c.409C>T, p.Pro137Ser (NM_001303110.2); short protein forms P137S.
Identifiers: ClinVar variation 883375 (VCV000883375.12), dbSNP rs148290885, ClinGen allele CA256245106.